The following is an entry in ClinVar:

NM_022437.3(ABCG8):c.1963A>G (p.Met655Val)

Gene: ABCG8 (ATP binding cassette subfamily G member 8; plus strand). Cytogenetic location: 2p21.
Variant type: single nucleotide variant.
Coding change: c.1963A>G on transcript NM_022437.3 (MANE Select); coding-DNA position 1963, A replaced by G.
Protein change: p.Met655Val; replaces methionine 655 with valine.
Molecular consequence: missense variant.
Genome position (GRCh38, 1-based): chr2:43,877,854, A>G. VCF-style: chr2-43877854-A-G. GRCh37 (hg19) VCF-style: chr2-44104993-A-G.
Other names: p.Met655Val; c.1960A>G, p.Met654Val (NM_001357321.2); short protein forms M654V, M655V.
Identifiers: ClinVar variation 779658 (VCV000779658.20), dbSNP rs9282573, ClinGen allele CA1637730.

ClinVar aggregate classification (germline): Benign/Likely benign. Review status: criteria provided, multiple submitters, no conflicts (2 of 4 stars). 6 submissions from 6 submitters: Benign (4); Likely benign (2). Last evaluated 2026-01-22.

Conditions:
Cardiovascular phenotype. Identifiers: MedGen CN230736.

Allele frequency attached by ClinVar (database versions not stated): gnomAD exomes 0.00048 and 0.00138; ExAC 0.00165; 1000 Genomes Project 0.00359; 1000 Genomes Project 30x 0.00406; gnomAD 0.00498 and 0.00542; TOPMed 0.00550; ESP Exome Variant Server 0.00607.
gnomAD v4.1: 1,476 of 1,614,078 alleles (0.091%); highest among the groups gnomAD compares: African/African-American, 1.7%; 18 homozygotes.

Submissions (6):

Labcorp Genetics (formerly Invitae), Labcorp
Classification: Benign. Last evaluated: 2026-01-22. Review status: criteria provided, single submitter. Criteria: Invitae Variant Classification Sherloc (09022015). Collection method: clinical testing. Allele origin: germline.

Mayo Clinic Laboratories, Mayo Clinic
Classification: Benign. Last evaluated: 2024-05-20. Review status: criteria provided, single submitter. Criteria: ACMG Guidelines, 2015. Collection method: clinical testing. Allele origin: germline. Observed: 12 variant alleles.
Comment: BS1, BS2, BP4

Women's Health and Genetics/Laboratory Corporation of America, LabCorp
Classification: Likely benign. Last evaluated: 2023-08-15. Review status: criteria provided, single submitter. Criteria: LabCorp Variant Classification Summary - May 2015. Collection method: clinical testing. Allele origin: germline.
Comment: Variant summary: ABCG8 c.1963A>G (p.Met655Val) results in a conservative amino acid change in the encoded protein sequence. Five of five in-silico tools predict a benign effect of the variant on protein function. The variant allele was found at a frequency of 0.0014 in 251410 control chromosomes, predominantly at a frequency of 0.019 within the African or African-American subpopulation in the gnomAD database, including 6 homozygotes. The observed variant frequency within African or African-American control individuals in the gnomAD database is approximately 4 fold of the estimated maximal expected allele frequency for a pathogenic variant in ABCG8 causing Early Onset Coronary Artery Disease phenotype (0.005), strongly suggesting that the variant is a benign polymorphism found primarily in populations of African or African-American origin. To our knowledge, no occurrence of c.1963A>G in individuals affected with Early Onset Coronary Artery Disease and no experimental evidence demonstrating its impact on protein function have been reported. Four submitters have cited clinical-significance assessments for this variant to ClinVar after 2014. All submitters classified the variant as benign/likely benign. Based on the evidence outlined above, the variant was classified as likely benign.

GeneDx
Classification: Likely benign. Last evaluated: 2023-03-29. Review status: criteria provided, single submitter. Criteria: GeneDx Variant Classification Process June 2021. Collection method: clinical testing. Allele origin: germline.
Comment: See Variant Classification Assertion Criteria.

Genetic Services Laboratory, University of Chicago
Classification: Benign. Last evaluated: 2021-01-04. Review status: criteria provided, single submitter. Criteria: ACMG Guidelines, 2015. Collection method: clinical testing. Allele origin: germline. Affected: no.

Ambry Genetics
Classification: Benign for Cardiovascular phenotype. Last evaluated: 2020-01-24. Review status: criteria provided, single submitter. Criteria: Ambry Variant Classification Scheme 2023. Collection method: clinical testing. Allele origin: germline.